The following is an entry in ClinVar:

ClinVar aggregate classification (germline): Uncertain significance (1 of 4 stars; one submission).

Conditions:
Arrhythmogenic cardiomyopathy with wooly hair and keratoderma. Also called: PALMOPLANTAR KERATODERMA WITH LEFT VENTRICULAR CARDIOMYOPATHY AND WOOLLY HAIR; Carvajal syndrome; Dilated cardiomyopathy with woolly hair and keratoderma; Arrhythmogenic cardiomyopathy with woolly hair and keratoderma. Identifiers: Orphanet 65282, MedGen C1854063, MONDO:0011581, OMIM 605676.
Arrhythmogenic right ventricular dysplasia 8 (ARVD8). Also called: Arrhythmogenic Right Ventricular Dysplasia/Cardiomyopathy 8; ARRHYTHMOGENIC RIGHT VENTRICULAR DYSPLASIA, FAMILIAL, 8; ARRHYTHMOGENIC RIGHT VENTRICULAR CARDIOMYOPATHY 8. Identifiers: MedGen C1843896, MONDO:0011831, OMIM 607450.

Submission:

Labcorp Genetics (formerly Invitae), Labcorp
Classification: Uncertain significance for Arrhythmogenic cardiomyopathy with wooly hair and keratoderma; Arrhythmogenic right ventricular dysplasia 8. Last evaluated: 2023-12-21. Review status: criteria provided, single submitter. Criteria: Invitae Variant Classification Sherloc (09022015). Collection method: clinical testing. Allele origin: germline.
Comment: This sequence change replaces alanine, which is neutral and non-polar, with valine, which is neutral and non-polar, at codon 1839 of the DSP protein (p.Ala1839Val). This variant is not present in population databases (gnomAD no frequency). This variant has not been reported in the literature in individuals affected with DSP-related conditions. An algorithm developed to predict the effect of missense changes on protein structure and function (PolyPhen-2) suggests that this variant¬†is likely to be tolerated. In summary, the available evidence is currently insufficient to determine the role of this variant in disease. Therefore, it has been classified as a Variant of Uncertain Significance.

NM_004415.4(DSP):c.5516C>T (p.Ala1839Val)

Gene: DSP (desmoplakin; plus strand). Cytogenetic location: 6p24.3.
Variant type: single nucleotide variant.
Coding change: c.5516C>T on transcript NM_004415.4 (MANE Select); coding-DNA position 5516, C replaced by T.
Protein change: p.Ala1839Val; replaces alanine 1839 with valine.
Molecular consequence: missense variant.
Genome position (GRCh38, 1-based): chr6:7,582,778, C>T. VCF-style: chr6-7582778-C-T. GRCh37 (hg19) VCF-style: chr6-7583011-C-T.
Other names: c.3719C>T, p.Ala1240Val (NM_001008844.3); c.4187C>T, p.Ala1396Val (NM_001319034.2); short protein forms A1839V, A1240V, A1396V.
Identifiers: ClinVar variation 2941446 (VCV002941446.1), dbSNP rs2533936248, ClinGen allele CA362688797.